The following is an entry in ClinVar:

ClinVar aggregate classification (germline): Uncertain significance. Review status: criteria provided, multiple submitters, no conflicts (2 of 4 stars). 2 submissions from 2 submitters: Uncertain significance (2). Last evaluated 2023-11-07.

Submissions (2):

Labcorp Genetics (formerly Invitae), Labcorp
Classification: Uncertain significance. Last evaluated: 2023-11-07. Review status: criteria provided, single submitter. Criteria: Invitae Variant Classification Sherloc (09022015). Collection method: clinical testing. Allele origin: germline.
Comment: This sequence change creates a premature translational stop signal (p.Glu154Lysfs*4) in the GUCA1A gene. While this is not anticipated to result in nonsense mediated decay, it is expected to disrupt the last 48 amino acid(s) of the GUCA1A protein. This variant is not present in population databases (gnomAD no frequency). This variant has not been reported in the literature in individuals affected with GUCA1A-related conditions. Experimental studies and prediction algorithms are not available or were not evaluated, and the functional significance of this variant is currently unknown. In summary, the available evidence is currently insufficient to determine the role of this variant in disease. Therefore, it has been classified as a Variant of Uncertain Significance.

Blueprint Genetics
Classification: Uncertain significance. Last evaluated: 2019-01-25. Review status: criteria provided, single submitter. Criteria: ACMG Guidelines, 2015. Collection method: clinical testing. Allele origin: germline.

NM_001384910.1(GUCA1A):c.460del (p.Glu154fs)

Genes: GUCA1A (guanylate cyclase activator 1A; plus strand), GUCA1ANB-GUCA1A (GUCA1ANB-GUCA1A readthrough; plus strand). Cytogenetic location: 6p21.1.
Variant type: Deletion.
Coding change: c.460del on transcript NM_001384910.1 (MANE Select); coding-DNA position 460, one base deleted (G; older notation c.460delG).
Protein change: p.Glu154fs; shifts the reading frame from glutamic acid 154.
Molecular consequence: frameshift variant.
Genome position (GRCh38, 1-based): chr6:42,179,257, G deleted; the last of 2 consecutive G bases (chr6:42,179,256-42,179,257); deleting either gives the same sequence. VCF-style (leftmost placement, unchanged base first): chr6-42179255-TG-T. GRCh37 (hg19) VCF-style: chr6-42146993-TG-T.
Other names: c.460del, p.Glu154fs (NM_000409.5, NM_001319061.2, NM_001319062.2); short protein forms E154fs.
Identifiers: ClinVar variation 2958507 (VCV002958507.4), dbSNP rs1768050066, ClinGen allele CA1623945703.